The following is an entry in ClinVar:

NM_003743.5(NCOA1):c.1403C>T (p.Ser468Phe)

Gene: NCOA1 (nuclear receptor coactivator 1; plus strand). Cytogenetic location: 2p23.3.
Variant type: single nucleotide variant.
Coding change: c.1403C>T on transcript NM_003743.5 (MANE Select); coding-DNA position 1403, C replaced by T.
Protein change: p.Ser468Phe; replaces serine 468 with phenylalanine.
Molecular consequence: missense variant.
Genome position (GRCh38, 1-based): chr2:24,706,873, C>T. VCF-style: chr2-24706873-C-T. GRCh37 (hg19) VCF-style: chr2-24929742-C-T.
Other names: c.1403C>T, p.Ser468Phe (NM_001362950.1, NM_001362952.1, NM_001362954.1 and 3 more transcripts); short protein forms S468F.
Identifiers: ClinVar variation 4992026 (VCV004992026.1).
Genomic context (GRCh38, chr2:24,706,873, plus strand): 5'-AGATTGTAGCCAATGTTGCCTTAAACCAAGGACAGGCCAGTTCACAGAGCAGTAATCCCT[C>T]TTTAAACCTCAATAATTCTCCTATGGAAGGTACAGGAATATCCCTAGCACAGTTCATGTC-3'
Protein context (NP_003734.3, residues 458-478): GQASSQSSNP[Ser468Phe]LNLNNSPMEG

ClinVar aggregate classification (germline): Uncertain significance (1 of 4 stars; one submission).

Conditions:
NCOA1-related disorder. Also called: NCOA1-related condition.

gnomAD v4.1: 20 of 1,614,090 alleles (0.0012%); highest among the groups gnomAD compares: Non-Finnish European, 0.0017%; no homozygotes.

Submission:

PreventionGenetics, part of Exact Sciences
Classification: Uncertain significance for NCOA1-related condition. Last evaluated: 2025-09-17. Review status: criteria provided, single submitter. Criteria: ACMG Guidelines, 2015. Collection method: clinical testing. Allele origin: germline.
Comment: The NCOA1 c.1403C>T variant is predicted to result in the amino acid substitution p.Ser468Phe. To our knowledge, this variant has not been reported in the literature. This variant is reported in 0.00088% of alleles in individuals of European (Non-Finnish) descent in gnomAD. At this time, the clinical significance of this variant is uncertain due to the absence of conclusive functional and genetic evidence.